The following is an entry in ClinVar:

ClinVar aggregate classification (germline): Pathogenic. Review status: criteria provided, multiple submitters, no conflicts (2 of 4 stars). 3 submissions from 3 submitters: Pathogenic (3). Last evaluated 2025-01-07.

Conditions:
Myoclonic epilepsy of Lafora 1 (MELF1). Also called: EPILEPSY, PROGRESSIVE MYOCLONIC, 2A; EPM2A-Related Lafora Disease; LAFORA DISEASE 1; Epilepsy, progressive myoclonic 2A (Lafora). Identifiers: MedGen CN377204, MONDO:0958199, OMIM 254780.
Lafora disease. Also called: Progressive Myoclonus Epilepsy, Lafora Type; Epilepsy progressive myoclonic 2. Identifiers: Orphanet 501, MedGen C0751783, MONDO:0009697.

gnomAD v4.1: 1 of 1,412,508 alleles (0.000071%); highest among the groups gnomAD compares: South Asian, 0.0014%; no homozygotes.

Submissions (3):

Broad Center for Mendelian Genomics, Broad Institute of MIT and Harvard
Classification: Pathogenic for Lafora disease. Last evaluated: 2025-01-07. Review status: criteria provided, single submitter. Criteria: ACMG Guidelines, 2015. Collection method: curation. Allele origin: germline. Inheritance: Autosomal recessive inheritance.
Comment: The p.Glu56Ter variant in EPM2A has been reported in 5 individuals with Lafora disease (PMID: 29655203, 28238966), and has been identified in 0.001% (1/68600) of South Asian chromosomes by the Genome Aggregation Database (gnomAD; dbSNP rs796052424). Although this variant has been seen in the general population in a heterozygous state, its frequency is low enough to be consistent with a recessive carrier frequency. This variant has also been reported in ClinVar (Variation ID: 205431) and has been interpreted as pathogenic by GeneDx. Of the 5 affected individuals, 1 was a homozygote, which increases the likelihood that the p.Glu56Ter variant is pathogenic (PMID: 28238966). This nonsense variant leads to a premature termination codon at position 56, which is predicted to lead to a truncated or absent protein. Loss of function of the EPM2A is an established disease mechanism in autosomal recessive Lafora disease. In summary, this variant meets criteria to be classified as pathogenic for autosomal recessive Lafora disease. ACMG/AMP Criteria applied: PVS1, PM2_supporting, PM3_supporting (Richards 2015).

Genomic Medicine Center of Excellence, King Faisal Specialist Hospital and Research Centre
Classification: Pathogenic for Myoclonic epilepsy of Lafora 1. Last evaluated: 2024-03-25. Review status: criteria provided, single submitter. Criteria: ACMG Guidelines, 2015. Collection method: research. Allele origin: germline.

GeneDx
Classification: Pathogenic. Last evaluated: 2014-07-01. Review status: criteria provided, single submitter. Criteria: GeneDx Variant Classification (06012015). Collection method: clinical testing. Allele origin: germline. Affected: yes.
Comment: p.Glu56Stop (GAG>TAG): c.166 G>T in exon 1 of the EPM2A gene (NM_005670.3). The E56X nonsense mutation in the EPM2A gene is predicted to cause loss of normal protein function either through protein truncation or nonsense-mediated mRNA decay. Although this mutation has not been reported previously to our knowledge, homozygosity for this mutation is consistent with a diagnosis of LD. The variant is found in EPILEPSY,PME-EPI panel(s).

NM_005670.4(EPM2A):c.166G>T (p.Glu56Ter)

Genes: EPM2A (EPM2A glucan phosphatase, laforin; minus strand), EPM2A-DT (EPM2A divergent transcript; plus strand), LOC129997381 (ATAC-STARR-seq lymphoblastoid silent region 17642; plus strand). Cytogenetic location: 6q24.3.
Variant type: single nucleotide variant.
Coding change: c.166G>T on transcript NM_005670.4 (MANE Select); coding-DNA position 166, G replaced by T.
Protein change: p.Glu56Ter; replaces glutamic acid 56 with a stop codon.
Molecular consequence: nonsense. On other transcripts: 5 prime UTR variant (3), intron variant (1).
Genome position (GRCh38, 1-based): chr6:145,735,333, C>A on the plus strand (G>T on the coding strand, the complement: EPM2A is on the minus strand). VCF-style: chr6-145735333-C-A. GRCh37 (hg19) VCF-style: chr6-146056469-C-A.
Other names: p.E56*:GAG>TAG; NM_005670.4(EPM2A):c.166G>T; p.Glu56Ter; c.166G>T, p.Glu56Ter (NM_001018041.2, NM_001360057.2, NM_001368130.1); c.-504G>T (NM_001360071.2); c.-458G>T (NM_001368129.2); c.-202G>T (NM_001368131.1); c.-114+575G>T (NM_001360064.2); short protein forms E56*.
Identifiers: ClinVar variation 205431 (VCV000205431.5), dbSNP rs796052424, ClinGen allele CA314494.